The following is an entry in ClinVar:

NM_000051.4(ATM):c.3587_3588del (p.Lys1196fs)

Gene: ATM (ATM serine/threonine kinase; plus strand). Cytogenetic location: 11q22.3.
Variant type: Deletion.
Coding change: c.3587_3588del on transcript NM_000051.4 (MANE Select); coding-DNA positions 3587 to 3588, 2 bases deleted (AA; older notation c.3587_3588delAA).
Protein change: p.Lys1196fs; shifts the reading frame from lysine 1196.
Molecular consequence: frameshift variant.
Genome position (GRCh38, 1-based): chr11:108,282,720-108,282,721, AA deleted; deleting any 2 consecutive bases within chr11:108,282,719-108,282,721 gives the same sequence; the c. name uses the placement nearest the transcript's 3' end. VCF-style (leftmost placement, unchanged base first): chr11-108282718-GAA-G. GRCh37 (hg19) VCF-style: chr11-108153445-GAA-G.
Other names: c.3587_3588del, p.Lys1196fs (NM_001351834.2); short protein forms K1196fs.
Identifiers: ClinVar variation 2851142 (VCV002851142.3), dbSNP rs2546878802, ClinGen allele CA2739270907.
Genomic context (GRCh38, chr11:108,282,718, plus strand): 5'-ATGATTTATTTTTTTCATTTTTCTTAACACATTGACTTTTTGGTTCGTGCAGGTTTTAGA[GAA>G]AGTTTCTGAAACTTTTGGATATAGACGTTTAGAAGACTTTATGGCATCTCATTTAGATTA-3'

ClinVar aggregate classification (germline): Pathogenic (1 of 4 stars; one submission).

Conditions:
Ataxia-telangiectasia syndrome (AT). Also called: LOUIS-BAR SYNDROME; Cerebello-oculocutaneous telangiectasia; Immunodeficiency with ataxia telangiectasia; Ataxia telangiectasia (A-T); ATAXIA-TELANGIECTASIA, COMPLEMENTATION GROUP A; ATAXIA-TELANGIECTASIA, FRESNO VARIANT. Identifiers: Orphanet 100, MedGen C0004135, MONDO:0008840, OMIM 208900.

Submission:

Labcorp Genetics (formerly Invitae), Labcorp
Classification: Pathogenic for Ataxia-telangiectasia syndrome. Last evaluated: 2023-03-31. Review status: criteria provided, single submitter. Criteria: Invitae Variant Classification Sherloc (09022015). Collection method: clinical testing. Allele origin: germline.
Comment: This sequence change creates a premature translational stop signal (p.Lys1196Serfs*3) in the ATM gene. It is expected to result in an absent or disrupted protein product. Loss-of-function variants in ATM are known to be pathogenic (PMID: 23807571, 25614872). This variant is not present in population databases (gnomAD no frequency). This variant has not been reported in the literature in individuals affected with ATM-related conditions. For these reasons, this variant has been classified as Pathogenic.

Literature cited by the submitters: PubMed 23807571; PubMed 25614872.